The following is an entry in ClinVar:

ClinVar aggregate classification (germline): Uncertain significance (1 of 4 stars; one submission).

gnomAD v4.1: 2 of 1,612,692 alleles (0.00012%); highest among the groups gnomAD compares: South Asian, 0.0011%; no homozygotes.

Submission:

GeneDx
Classification: Uncertain significance. Last evaluated: 2025-05-14. Review status: criteria provided, single submitter. Criteria: GeneDx Variant Classification Process June 2021. Collection method: clinical testing. Allele origin: germline. Affected: yes.
Comment: Not observed at significant frequency in large population cohorts (gnomAD); In silico analysis suggests that this missense variant does not alter protein structure/function; Has not been previously published as pathogenic or benign to our knowledge

NM_001287491.2(TET3):c.2264A>G (p.Lys755Arg)

Gene: TET3 (tet methylcytosine dioxygenase 3; plus strand). Cytogenetic location: 2p13.1.
Variant type: single nucleotide variant.
Coding change: c.2264A>G on transcript NM_001287491.2 (MANE Select); coding-DNA position 2264, A replaced by G.
Protein change: p.Lys755Arg; replaces lysine 755 with arginine.
Molecular consequence: missense variant.
Genome position (GRCh38, 1-based): chr2:74,048,181, A>G. VCF-style: chr2-74048181-A-G. GRCh37 (hg19) VCF-style: chr2-74275308-A-G.
Other names: c.1985A>G, p.Lys662Arg (NM_001366022.1); short protein forms K662R, K755R.
Identifiers: ClinVar variation 4529568 (VCV004529568.1).